The following is an entry in ClinVar:

NM_006514.4(SCN10A):c.3475A>G (p.Ile1159Val)

Genes: SCN10A (sodium voltage-gated channel alpha subunit 10; minus strand), LOC110121288 (VISTA enhancer hs2268; plus strand). Cytogenetic location: 3p22.2.
Variant type: single nucleotide variant.
Coding change: c.3475A>G on transcript NM_006514.4 (MANE Select); coding-DNA position 3475, A replaced by G.
Protein change: p.Ile1159Val; replaces isoleucine 1159 with valine.
Molecular consequence: missense variant.
Genome position (GRCh38, 1-based): chr3:38,722,290, T>C on the plus strand (A>G on the coding strand, the complement: SCN10A is on the minus strand). VCF-style: chr3-38722290-T-C. GRCh37 (hg19) VCF-style: chr3-38763781-T-C.
Other names: c.3472A>G, p.Ile1158Val (NM_001293306.2); c.3181A>G, p.Ile1061Val (NM_001293307.2); short protein forms I1061V, I1158V, I1159V.
Identifiers: ClinVar variation 1305175 (VCV001305175.5), dbSNP rs753434251, ClinGen allele CA2320226.

ClinVar aggregate classification (germline): Uncertain significance. Review status: criteria provided, multiple submitters, no conflicts (2 of 4 stars). 2 submissions from 2 submitters: Uncertain significance (2). Last evaluated 2024-05-21.

Conditions:
Cardiovascular phenotype. Identifiers: MedGen CN230736.

Allele frequency attached by ClinVar (database versions not stated): gnomAD exomes below 0.00001; TOPMed below 0.00001; ExAC 0.00001; gnomAD 0.00001.
gnomAD v4.1: 8 of 1,613,986 alleles (0.0005%); highest among the groups gnomAD compares: Admixed American, 0.0017%; no homozygotes.

Submissions (2):

GeneDx
Classification: Uncertain significance. Last evaluated: 2024-05-21. Review status: criteria provided, single submitter. Criteria: GeneDx Variant Classification Process June 2021. Collection method: clinical testing. Allele origin: germline. Affected: yes.
Comment: Has not been previously published as pathogenic or benign to our knowledge; Not observed at significant frequency in large population cohorts (gnomAD); In silico analysis indicates that this missense variant does not alter protein structure/function

Ambry Genetics
Classification: Uncertain significance for Cardiovascular phenotype. Last evaluated: 2022-12-18. Review status: criteria provided, single submitter. Criteria: Ambry Variant Classification Scheme 2023. Collection method: clinical testing. Allele origin: germline.
Comment: The p.I1159V variant (also known as c.3475A>G), located in coding exon 19 of the SCN10A gene, results from an A to G substitution at nucleotide position 3475. The isoleucine at codon 1159 is replaced by valine, an amino acid with highly similar properties. This amino acid position is conserved. In addition, this alteration is predicted to be tolerated by in silico analysis. Since supporting evidence is limited at this time, the clinical significance of this alteration remains unclear.